The following is an entry in ClinVar:

ClinVar aggregate classification (germline): Pathogenic (1 of 4 stars; one submission).

Conditions:
Hereditary breast ovarian cancer syndrome. Also called: Hereditary breast and ovarian cancer; Breast and ovarian cancer; BRCA1- and BRCA2-Associated Hereditary Breast and Ovarian Cancer; Hereditary breast and/or ovarian cancer syndrome; Hereditary breast and ovarian cancer syndrome; Hereditary breast and ovarian cancer syndrome (HBOC). Identifiers: Orphanet 145, MedGen C0677776, MeSH D061325, MONDO:0003582. Disease mechanism: loss of function.

Submission:

Labcorp Genetics (formerly Invitae), Labcorp
Classification: Pathogenic for Hereditary breast ovarian cancer syndrome. Last evaluated: 2020-09-10. Review status: criteria provided, single submitter. Criteria: Invitae Variant Classification Sherloc (09022015). Collection method: clinical testing. Allele origin: germline.
Comment: This variant is an out-of-frame deletion of the genomic region encompassing exon 21 of the BRCA1 gene. This creates a premature translational stop signal and is expected to result in an absent or disrupted protein product. Exon 21 deletions have been reported in individuals and families affected with breast and ovarian cancer (PMID: 9354803, 19894111, 11462239). Exon 21 deletions are also known as exon 22 deletions in the literature due to alternate exon numbering. Loss-of-function variants in BRCA1 are known to be pathogenic (PMID: 20104584). For these reasons, this variant has been classified as Pathogenic.

Literature cited by the submitters: PubMed 9354803; PubMed 19894111; PubMed 11462239; PubMed 20104584.

NC_000017.10:g.(?_41201105)_(41201221_?)del

Gene: BRCA1 (BRCA1 DNA repair associated; minus strand). Cytogenetic location: 17q21.31.
Variant type: Deletion.
Identifiers: ClinVar variation 1076988 (VCV001076988.1).